The following is an entry in ClinVar:

ClinVar aggregate classification (germline): Uncertain significance (1 of 4 stars; one submission).

Conditions:
Multiple gastrointestinal atresias. Also called: FAMILIAL INTESTINAL POLYATRESIA SYNDROME; Multiple intestinal atresia. Identifiers: Orphanet 2300, MedGen C0220744, MONDO:0009465.

Allele frequency attached by ClinVar (database versions not stated): ExAC 0.00002; gnomAD exomes 0.00002 and 0.00003; gnomAD 0.00003; TOPMed 0.00003.
gnomAD v4.1: 46 of 1,613,586 alleles (0.0029%); highest among the groups gnomAD compares: Middle Eastern, 0.016%; no homozygotes.

Submission:

Labcorp Genetics (formerly Invitae), Labcorp
Classification: Uncertain significance for Multiple gastrointestinal atresias. Last evaluated: 2021-12-22. Review status: criteria provided, single submitter. Criteria: Invitae Variant Classification Sherloc (09022015). Collection method: clinical testing. Allele origin: germline.
Comment: In summary, the available evidence is currently insufficient to determine the role of this variant in disease. Therefore, it has been classified as a Variant of Uncertain Significance. Algorithms developed to predict the effect of missense changes on protein structure and function (SIFT, PolyPhen-2, Align-GVGD) all suggest that this variant is likely to be tolerated. This variant has not been reported in the literature in individuals affected with TTC7A-related conditions. This variant is present in population databases (rs771426124, gnomAD 0.008%). This sequence change replaces glutamic acid, which is acidic and polar, with lysine, which is basic and polar, at codon 821 of the TTC7A protein (p.Glu821Lys).

NM_020458.4(TTC7A):c.2461G>A (p.Glu821Lys)

Gene: TTC7A (tetratricopeptide repeat domain 7A; plus strand). Cytogenetic location: 2p21.
Variant type: single nucleotide variant.
Coding change: c.2461G>A on transcript NM_020458.4 (MANE Select); coding-DNA position 2461, G replaced by A.
Protein change: p.Glu821Lys; replaces glutamic acid 821 with lysine.
Molecular consequence: missense variant.
Genome position (GRCh38, 1-based): chr2:47,073,807, G>A. VCF-style: chr2-47073807-G-A. GRCh37 (hg19) VCF-style: chr2-47300946-G-A.
Other names: c.2533G>A, p.Glu845Lys (NM_001288951.2); c.2359G>A, p.Glu787Lys (NM_001288953.2); c.1399G>A, p.Glu467Lys (NM_001288955.2); short protein forms E845K, E467K, E787K, E821K.
Identifiers: ClinVar variation 1471974 (VCV001471974.4), dbSNP rs771426124, ClinGen allele CA1648171.